The following is an entry in ClinVar:

ClinVar aggregate classification (germline): Uncertain significance (1 of 4 stars; one submission).

Conditions:
LRP2-related disorder. Also called: LRP2-related condition.

Submission:

PreventionGenetics, part of Exact Sciences
Classification: Uncertain significance for LRP2-related condition. Last evaluated: 2022-11-22. Review status: criteria provided, single submitter. Criteria: ACMG Guidelines, 2015. Collection method: clinical testing. Allele origin: germline.
Comment: The LRP2 c.1942G>A variant is predicted to result in the amino acid substitution p.Val648Met. To our knowledge, this variant has not been reported in the literature or in a large population database, indicating this variant is rare. At this time, the clinical significance of this variant is uncertain due to the absence of conclusive functional and genetic evidence.

NM_004525.3(LRP2):c.1942G>A (p.Val648Met)

Gene: LRP2 (LDL receptor related protein 2; minus strand). Cytogenetic location: 2q31.1.
Variant type: single nucleotide variant.
Coding change: c.1942G>A on transcript NM_004525.3 (MANE Select); coding-DNA position 1942, G replaced by A.
Protein change: p.Val648Met; replaces valine 648 with methionine.
Molecular consequence: missense variant.
Genome position (GRCh38, 1-based): chr2:169,275,069, C>T on the plus strand (G>A on the coding strand, the complement: LRP2 is on the minus strand). VCF-style: chr2-169275069-C-T. GRCh37 (hg19) VCF-style: chr2-170131579-C-T.
Other names: short protein forms V648M.
Identifiers: ClinVar variation 2634566 (VCV002634566.1), dbSNP rs2528498279, ClinGen allele CA349143091.
Genomic context (GRCh38, chr2:169,275,069, plus strand): 5'-CATGGTTACCACTGCTCTGAGGCTTACCATAGGGCTGTCTGAGGGAATGGTAAACAGTCA[C>T]TCCATAGGGCCTCAGGGAAGCCTGGTAGTACACTTGTGGGTTGGTCTCTGTGAACTTGTT-3'
Protein context (NP_004516.2, residues 638-658): YYQASLRPYG[Val648Met]TVYHSLRQPY